The following is an entry in ClinVar:

ClinVar aggregate classification (germline): Uncertain significance (1 of 4 stars; one submission).

Allele frequency attached by ClinVar (database versions not stated): TOPMed below 0.00001.

Submission:

GeneDx
Classification: Uncertain significance. Last evaluated: 2021-06-04. Review status: criteria provided, single submitter. Criteria: GeneDx Variant Classification Process June 2021. Collection method: clinical testing. Allele origin: germline. Affected: yes.
Comment: Not observed at significant frequency in large population cohorts (Lek et al., 2016); In silico analysis supports that this missense variant does not alter protein structure/function; Has not been previously published as pathogenic or benign to our knowledge; This variant is associated with the following publications: (PMID: 27535533)

NM_032790.4(ORAI1):c.59G>A (p.Gly20Asp)

Genes: ORAI1 (ORAI calcium release-activated calcium modulator 1; plus strand), LOC130008987 (ATAC-STARR-seq lymphoblastoid silent region 4981; plus strand). Cytogenetic location: 12q24.31.
Variant type: single nucleotide variant.
Coding change: c.59G>A on transcript NM_032790.4 (MANE Select); coding-DNA position 59, G replaced by A.
Protein change: p.Gly20Asp; replaces glycine 20 with aspartic acid.
Genome position (GRCh38, 1-based): chr12:121,626,801, G>A. VCF-style: chr12-121626801-G-A. GRCh37 (hg19) VCF-style: chr12-122064706-G-A.
Other names: short protein forms G20D.
Identifiers: ClinVar variation 1327879 (VCV001327879.2), dbSNP rs1892785544, ClinGen allele CA386980368.